The following is an entry in ClinVar:

ClinVar aggregate classification (germline): Likely benign (1 of 4 stars; one submission).

Submission:

Laboratory for Molecular Medicine, Mass General Brigham Personalized Medicine
Classification: Likely benign. Last evaluated: 2013-08-16. Review status: criteria provided, single submitter. Criteria: LMM Criteria. Collection method: clinical testing. Allele origin: germline. Observed: 1 variant allele.
Comment: Thr1985Thr in exon 19 of TECTA: This variant is not expected to have clinical si gnificance because it does not alter an amino acid residue and is not located wi thin the splice consensus sequence.

NM_005422.4(TECTA):c.5955C>A (p.Thr1985=)

Genes: TBCEL-TECTA (TBCEL-TECTA readthrough; plus strand), TECTA (tectorin alpha; plus strand). Cytogenetic location: 11q23.3.
Variant type: single nucleotide variant.
Coding change: c.5955C>A on transcript NM_005422.4 (MANE Select); coding-DNA position 5955, C replaced by A.
Protein change: p.Thr1985=; no amino-acid change (threonine 1985 retained).
Molecular consequence: synonymous variant.
Genome position (GRCh38, 1-based): chr11:121,168,881, C>A. VCF-style: chr11-121168881-C-A. GRCh37 (hg19) VCF-style: chr11-121039590-C-A.
Other names: c.6897C>A, p.Thr2299= (NM_001378761.1).
Identifiers: ClinVar variation 165372 (VCV000165372.5), dbSNP rs727503466, ClinGen allele CA178117.